The following is an entry in ClinVar:

NM_000051.4(ATM):c.1165del (p.Lys388_Ile389insTer)

Gene: ATM (ATM serine/threonine kinase; plus strand). Cytogenetic location: 11q22.3.
Variant type: Deletion.
Coding change: c.1165del on transcript NM_000051.4 (MANE Select); coding-DNA position 1165, one base deleted (A; older notation c.1165delA).
Protein change: p.Lys388_Ile389insTer.
Molecular consequence: nonsense.
Genome position (GRCh38, 1-based): chr11:108,249,032, A deleted; the last of 4 consecutive A bases (chr11:108,249,029-108,249,032); deleting any one gives the same sequence. VCF-style (leftmost placement, unchanged base first): chr11-108249028-GA-G. GRCh37 (hg19) VCF-style: chr11-108119755-GA-G.
Other names: c.1165del, p.Lys388_Ile389insTer (NM_001351834.2).
Identifiers: ClinVar variation 2583812 (VCV002583812.3), dbSNP rs2497211032, ClinGen allele CA2582342453.

ClinVar aggregate classification (germline): Pathogenic/Likely pathogenic. Review status: criteria provided, multiple submitters, no conflicts (2 of 4 stars). 2 submissions from 2 submitters: Pathogenic (1); Likely pathogenic (1). Last evaluated 2023-08-16.

Conditions:
Familial cancer of breast. Also called: BREAST CANCER, FAMILIAL; hereditary breast carcinoma; Hereditary breast cancer. Identifiers: Orphanet 227535, MedGen C0346153, MONDO:0016419, OMIM 114480. Disease mechanism: loss of function.

Submissions (2):

Baylor Genetics
Classification: Likely pathogenic for Familial cancer of breast. Last evaluated: 2023-08-16. Review status: criteria provided, single submitter. Criteria: ACMG Guidelines, 2015. Collection method: clinical testing. Allele origin: unknown.

Myriad Genetics, Inc.
Classification: Pathogenic for Familial cancer of breast. Last evaluated: 2023-05-03. Review status: criteria provided, single submitter. Criteria: Myriad Autosomal Dominant, Autosomal Recessive and X-Linked Classification Criteria (2023). Collection method: clinical testing. Allele origin: unknown.
Comment: This variant is considered pathogenic. This variant creates a termination codon and is predicted to result in premature protein truncation.